The following is an entry in ClinVar:

NM_015259.6(ICOSLG):c.231C>G (p.Asp77Glu)

Gene: ICOSLG (inducible T cell costimulator ligand; minus strand). Cytogenetic location: 21q22.3.
Variant type: single nucleotide variant.
Coding change: c.231C>G on transcript NM_015259.6 (MANE Select); coding-DNA position 231, C replaced by G.
Protein change: p.Asp77Glu; replaces aspartic acid 77 with glutamic acid.
Molecular consequence: missense variant. On other transcripts: 5 prime UTR variant (1), intron variant (1).
Genome position (GRCh38, 1-based): chr21:44,237,042, G>C on the plus strand (C>G on the coding strand, the complement: ICOSLG is on the minus strand). VCF-style: chr21-44237042-G-C. GRCh37 (hg19) VCF-style: chr21-45656925-G-C.
Other names: c.231C>G, p.Asp77Glu (NM_001283050.2); c.-25C>G (NM_001283052.2); c.150C>G, p.Asp50Glu (NM_001365759.2); c.55+1406C>G (NM_001283051.2); short protein forms D77E, D50E.
Identifiers: ClinVar variation 1413002 (VCV001413002.6), dbSNP rs2146344816, ClinGen allele CA410616302.
Genomic context (GRCh38, chr21:44,237,042, plus strand): 5'-GGAGAAGTCGCCCCGCAGCATGCCGGCCGGTGACATCAGGGCTCGGTTCCGGTAGCGGCT[G>C]TCCACGTTTTCCAAGGAGCTGTTCTGTGGGATGTGGTAGGTCACCACGGTTTTCGACTCA-3'
Protein context (NP_056074.1, residues 67-87): IPQNSSLENV[Asp77Glu]SRYRNRALMS

ClinVar aggregate classification (germline): Uncertain significance (1 of 4 stars; one submission).

Submission:

Labcorp Genetics (formerly Invitae), Labcorp
Classification: Uncertain significance. Last evaluated: 2022-07-25. Review status: criteria provided, single submitter. Criteria: Invitae Variant Classification Sherloc (09022015). Collection method: clinical testing. Allele origin: germline.
Comment: In summary, the available evidence is currently insufficient to determine the role of this variant in disease. Therefore, it has been classified as a Variant of Uncertain Significance. Algorithms developed to predict the effect of missense changes on protein structure and function (SIFT, PolyPhen-2, Align-GVGD) all suggest that this variant is likely to be tolerated. ClinVar contains an entry for this variant (Variation ID: 1413002). This variant has not been reported in the literature in individuals affected with ICOSLG-related conditions. This variant is not present in population databases (gnomAD no frequency). This sequence change replaces aspartic acid, which is acidic and polar, with glutamic acid, which is acidic and polar, at codon 77 of the ICOSLG protein (p.Asp77Glu).